The following is an entry in ClinVar:

ClinVar aggregate classification (germline): Uncertain significance (1 of 4 stars; one submission).

Conditions:
Severe combined immunodeficiency due to DNA-PKcs deficiency. Also called: IMMUNODEFICIENCY 26 WITH NEUROLOGIC ABNORMALITIES; Immunodeficiency 26 with or without neurologic abnormalities. Identifiers: Orphanet 317425, MedGen C4014833, MONDO:0014423, OMIM 615966.

Submission:

Labcorp Genetics (formerly Invitae), Labcorp
Classification: Uncertain significance for Severe combined immunodeficiency due to DNA-PKcs deficiency. Last evaluated: 2024-03-27. Review status: criteria provided, single submitter. Criteria: Invitae Variant Classification Sherloc (09022015). Collection method: clinical testing. Allele origin: germline.
Comment: This sequence change replaces serine, which is neutral and polar, with proline, which is neutral and non-polar, at codon 3517 of the PRKDC protein (p.Ser3517Pro). This variant is not present in population databases (gnomAD no frequency). This variant has not been reported in the literature in individuals affected with PRKDC-related conditions. Advanced modeling of protein sequence and biophysical properties (such as structural, functional, and spatial information, amino acid conservation, physicochemical variation, residue mobility, and thermodynamic stability) performed at Invitae indicates that this missense variant is not expected to disrupt PRKDC protein function with a negative predictive value of 80%. In summary, the available evidence is currently insufficient to determine the role of this variant in disease. Therefore, it has been classified as a Variant of Uncertain Significance.

NM_006904.7(PRKDC):c.10549T>C (p.Ser3517Pro)

Gene: PRKDC (protein kinase, DNA-activated, catalytic subunit; minus strand). Cytogenetic location: 8q11.21.
Variant type: single nucleotide variant.
Coding change: c.10549T>C on transcript NM_006904.7 (MANE Select); coding-DNA position 10549, T replaced by C.
Protein change: p.Ser3517Pro; replaces serine 3517 with proline.
Molecular consequence: missense variant.
Genome position (GRCh38, 1-based): chr8:47,794,411, A>G on the plus strand (T>C on the coding strand, the complement: PRKDC is on the minus strand). VCF-style: chr8-47794411-A-G. GRCh37 (hg19) VCF-style: chr8-48706972-A-G.
Other names: c.10549T>C, p.Ser3517Pro (NM_001081640.2); short protein forms S3517P.
Identifiers: ClinVar variation 3625668 (VCV003625668.2).